The following is an entry in ClinVar:

ClinVar aggregate classification (germline): Pathogenic. Review status: criteria provided, multiple submitters, no conflicts (2 of 4 stars). 2 submissions from 2 submitters: Pathogenic (2). Last evaluated 2024-09-28.

Conditions:
Marfan syndrome (MFS). Also called: Marfan syndrome type 1; Marfan's syndrome; MARFAN SYNDROME, TYPE I; Marfan syndrome, classic; FBN1-Related Marfan Syndrome. Identifiers: Orphanet 284963, Orphanet 558, MedGen C0024796, MONDO:0007947, OMIM 154700.
Familial thoracic aortic aneurysm and aortic dissection (TAAD). Also called: Thoracic aortic aneurysms and dissections. Identifiers: Orphanet 91387, MedGen C4707243, MONDO:0019625.

Submissions (2):

Labcorp Genetics (formerly Invitae), Labcorp
Classification: Pathogenic for Marfan syndrome; Familial thoracic aortic aneurysm and aortic dissection. Last evaluated: 2024-09-28. Review status: criteria provided, single submitter. Criteria: Invitae Variant Classification Sherloc (09022015). Collection method: clinical testing. Allele origin: germline.
Comment: This sequence change affects the initiator methionine of the FBN1 mRNA. The next in-frame methionine is located at codon 99. This variant is not present in population databases (gnomAD no frequency). Disruption of the initiator codon has been observed in individual(s) with clinical features of Marfan syndrome (PMID: 28973303, 29357934). In at least one individual the variant was observed to be de novo. ClinVar contains an entry for this variant (Variation ID: 280307). This variant affects a cysteine residue in the EGF-like, TGFBP or hybrid motif domains of FBN1. Cysteine residues are believed to be involved in intramolecular disulfide bridges and have been shown to be important for FBN1 protein structure (PMID: 16905551, 19349279). In addition, missense substitutions affecting cysteine residues within these domains are significantly overrepresented among patients with Marfan syndrome (PMID: 16571647, 17701892). For these reasons, this variant has been classified as Pathogenic.

GeneDx
Classification: Pathogenic. Last evaluated: 2017-08-23. Review status: criteria provided, single submitter. Criteria: GeneDx Variant Classification (06012015). Collection method: clinical testing. Allele origin: germline. Affected: yes.
Comment: The c.2 T>G pathogenic variant in the FBN1 gene has not been reported previously as a pathogenic variant nor as a benign variant, to our knowledge. This variant was not observed in approximately 6500 individuals of European and African American ancestry in the NHLBI Exome Sequencing Project, indicating it is not a common benign variant in these populations. As this pathogenic variant alters the translation initiator Methionine codon, the resultant protein is described as p.Met1? using a question mark to signify that it is not known if the loss of Met1 means that all protein translation is completely prevented or if an abnormal protein is produced using an alternate Methionine. In silico analysis predicts this variant is probably damaging to the protein structure/function. We interpret c.2 T>G as a pathogenic variant.

Literature cited by the submitters: PubMed 28973303 (cited by Labcorp Genetics (formerly Invitae), Labcorp); PubMed 29357934 (cited by Labcorp Genetics (formerly Invitae), Labcorp); PubMed 16905551 (cited by Labcorp Genetics (formerly Invitae), Labcorp); PubMed 19349279 (cited by Labcorp Genetics (formerly Invitae), Labcorp); PubMed 16571647 (cited by Labcorp Genetics (formerly Invitae), Labcorp); PubMed 17701892 (cited by Labcorp Genetics (formerly Invitae), Labcorp).

NM_000138.5(FBN1):c.2T>G (p.Met1Arg)

Gene: FBN1 (fibrillin 1; minus strand). Cytogenetic location: 15q21.1.
Variant type: single nucleotide variant.
Coding change: c.2T>G on transcript NM_000138.5 (MANE Select); coding-DNA position 2, T replaced by G.
Protein change: p.Met1Arg; changes the start codon (methionine 1).
Molecular consequence: missense variant, initiator codon variant.
Genome position (GRCh38, 1-based): chr15:48,644,768, A>C on the plus strand (T>G on the coding strand, the complement: FBN1 is on the minus strand). VCF-style: chr15-48644768-A-C. GRCh37 (hg19) VCF-style: chr15-48936965-A-C.
Other names: short protein forms M1R.
Identifiers: ClinVar variation 280307 (VCV000280307.7), dbSNP rs886041536, ClinGen allele CA10603351.